The following is an entry in ClinVar:

NM_000310.4(PPT1):c.102del (p.Leu35fs)

Gene: PPT1 (palmitoyl-protein thioesterase 1; minus strand). Cytogenetic location: 1p34.2.
Variant type: Deletion.
Coding change: c.102del on transcript NM_000310.4 (MANE Select); coding-DNA position 102, one base deleted (G; older notation c.102delG).
Protein change: p.Leu35fs; shifts the reading frame from leucine 35.
Molecular consequence: frameshift variant.
Genome position (GRCh38, 1-based): chr1:40,097,137, C deleted on the plus strand (G on the coding strand, the reverse complement: PPT1 is on the minus strand). VCF-style (leftmost placement, unchanged base first): chr1-40097136-AC-A. GRCh37 (hg19) VCF-style: chr1-40562808-AC-A.
Other names: c.102del, p.Leu35fs (NM_001142604.2, NM_001363695.2); short protein forms L35fs.
Identifiers: ClinVar variation 835915 (VCV000835915.1), dbSNP rs1649901192, ClinGen allele CA916082017.

ClinVar aggregate classification (germline): Pathogenic (1 of 4 stars; one submission).

Conditions:
Neuronal ceroid lipofuscinosis 1 (CLN1). Also called: PPT1-Related Neuronal Ceroid-Lipofuscinosis; CEROID LIPOFUSCINOSIS, NEURONAL, 1, VARIABLE AGE AT ONSET. Identifiers: Orphanet 228329, MedGen C1850451, MONDO:0009744, OMIM 256730.

Submission:

Labcorp Genetics (formerly Invitae), Labcorp
Classification: Pathogenic for Ceroid lipofuscinosis neuronal 1. Last evaluated: 2019-12-11. Review status: criteria provided, single submitter. Criteria: Invitae Variant Classification Sherloc (09022015). Collection method: clinical testing. Allele origin: germline.
Comment: This sequence change creates a premature translational stop signal (p.Leu35Trpfs*2) in the PPT1 gene. It is expected to result in an absent or disrupted protein product. This variant is not present in population databases (ExAC no frequency). This variant has not been reported in the literature in individuals with PPT1-related conditions. Loss-of-function variants in PPT1 are known to be pathogenic (PMID: 10679943). For these reasons, this variant has been classified as Pathogenic.